The following is an entry in ClinVar:

ClinVar aggregate classification (germline): Benign. Review status: criteria provided, multiple submitters, no conflicts (2 of 4 stars). 2 submissions from 2 submitters: Benign (2). Last evaluated 2018-06-14.

Allele frequency attached by ClinVar (database versions not stated): gnomAD exomes 0.20442; 1000 Genomes Project 0.26737; 1000 Genomes Project 30x 0.27092; gnomAD 0.27696 and 0.28381; TOPMed 0.27828.
gnomAD v4.1: 129,096 of 576,904 alleles (22%); highest among the groups gnomAD compares: African/African-American, 47%; 16,688 homozygotes.

Submissions (2):

GeneDx
Classification: Benign. Last evaluated: 2018-06-14. Review status: criteria provided, single submitter. Criteria: GeneDx Variant Classification (06012015). Collection method: clinical testing. Allele origin: germline. Affected: yes.
Comment: This variant is considered likely benign or benign based on one or more of the following criteria: it is a conservative change, it occurs at a poorly conserved position in the protein, it is predicted to be benign by multiple in silico algorithms, and/or has population frequency not consistent with disease.

Breakthrough Genomics
Classification: Benign. Review status: criteria provided, single submitter. Criteria: ACMG Guidelines, 2015. Collection method: not provided. Allele origin: germline. Inheritance: Autosomal recessive inheritance. Affected: yes.

NM_001277062.2(MFF):c.660-105A>G

Gene: MFF (mitochondrial fission factor; plus strand). Cytogenetic location: 2q36.3.
Variant type: single nucleotide variant.
Coding change: c.660-105A>G on transcript NM_001277062.2 (MANE Select); 105 bases into the intron before coding-DNA position 660, A replaced by G.
Molecular consequence: intron variant.
Genome position (GRCh38, 1-based): chr2:227,355,572, A>G. VCF-style: chr2-227355572-A-G. GRCh37 (hg19) VCF-style: chr2-228220288-A-G.
Other names: c.813-105A>G (NM_001277061.2, NM_020194.5); c.516-105A>G (NM_001277063.2); c.501-105A>G (NM_001277064.2); c.441-105A>G (NM_001277065.2, NM_001277066.2); c.450-105A>G (NM_001277067.1); c.543-105A>G (NM_001277068.1).
Identifiers: ClinVar variation 676149 (VCV000676149.2), dbSNP rs56310237, ClinGen allele CA11327420.